The following is an entry in ClinVar:

NM_001040108.2(MLH3):c.2639T>C (p.Leu880Pro)

Gene: MLH3 (mutL homolog 3; minus strand). Cytogenetic location: 14q24.3.
Variant type: single nucleotide variant.
Coding change: c.2639T>C on transcript NM_001040108.2 (MANE Select); coding-DNA position 2639, T replaced by C.
Protein change: p.Leu880Pro; replaces leucine 880 with proline.
Molecular consequence: missense variant.
Genome position (GRCh38, 1-based): chr14:75,047,017, A>G on the plus strand (T>C on the coding strand, the complement: MLH3 is on the minus strand). VCF-style: chr14-75047017-A-G. GRCh37 (hg19) VCF-style: chr14-75513720-A-G.
Other names: c.2639T>C, p.Leu880Pro (NM_014381.3); short protein forms L880P.
Identifiers: ClinVar variation 4860228 (VCV004860228.1).

ClinVar aggregate classification (germline): Uncertain significance (1 of 4 stars; one submission).

Submission:

Ambry Genetics
Classification: Uncertain significance. Last evaluated: 2026-06-03. Review status: criteria provided, single submitter. Criteria: Ambry Variant Classification Scheme 2023. Collection method: clinical testing. Allele origin: germline.
Comment: The p.L880P variant (also known as c.2639T>C), located in coding exon 1 of the MLH3 gene, results from a T to C substitution at nucleotide position 2639. The leucine at codon 880 is replaced by proline, an amino acid with similar properties. This amino acid position is conserved. In addition, this alteration is predicted to be tolerated by in silico analysis. Based on the available evidence, the clinical significance of this variant remains unclear.